The following is an entry in ClinVar:

ClinVar aggregate classification (germline): Uncertain significance (1 of 4 stars; one submission).

Conditions:
Early-infantile DEE. Also called: Ohtahara syndrome; Early infantile epileptic encephalopathy; Early infantile epileptic encephalopathy with suppression bursts. Identifiers: Orphanet 1934, MedGen C0393706, MONDO:0800491.

Allele frequency attached by ClinVar (database versions not stated): gnomAD exomes below 0.00001.
gnomAD v4.1: 5 of 1,614,138 alleles (0.00031%); highest among the groups gnomAD compares: East Asian, 0.0022%; no homozygotes.

Submission:

Labcorp Genetics (formerly Invitae), Labcorp
Classification: Uncertain significance for Early-infantile DEE. Last evaluated: 2024-02-16. Review status: criteria provided, single submitter. Criteria: Invitae Variant Classification Sherloc (09022015). Collection method: clinical testing. Allele origin: germline.
Comment: This sequence change replaces arginine, which is basic and polar, with tryptophan, which is neutral and slightly polar, at codon 720 of the KCNH5 protein (p.Arg720Trp). This variant is not present in population databases (gnomAD no frequency). This variant has not been reported in the literature in individuals affected with KCNH5-related conditions. Advanced modeling of protein sequence and biophysical properties (such as structural, functional, and spatial information, amino acid conservation, physicochemical variation, residue mobility, and thermodynamic stability) performed at Invitae indicates that this missense variant is not expected to disrupt KCNH5 protein function with a negative predictive value of 95%. In summary, the available evidence is currently insufficient to determine the role of this variant in disease. Therefore, it has been classified as a Variant of Uncertain Significance.

NM_139318.5(KCNH5):c.2158C>T (p.Arg720Trp)

Gene: KCNH5 (potassium voltage-gated channel subfamily H member 5; minus strand). Cytogenetic location: 14q23.2.
Variant type: single nucleotide variant.
Coding change: c.2158C>T on transcript NM_139318.5 (MANE Select); coding-DNA position 2158, C replaced by T.
Protein change: p.Arg720Trp; replaces arginine 720 with tryptophan.
Molecular consequence: missense variant. On other transcripts: 3 prime UTR variant (1).
Genome position (GRCh38, 1-based): chr14:62,708,317, G>A on the plus strand (C>T on the coding strand, the complement: KCNH5 is on the minus strand). VCF-style: chr14-62708317-G-A. GRCh37 (hg19) VCF-style: chr14-63175035-G-A.
Other names: c.*125C>T (NM_172375.3); short protein forms R720W.
Identifiers: ClinVar variation 2984641 (VCV002984641.3), dbSNP rs1473460950, ClinGen allele CA390101210.
Genomic context (GRCh38, chr14:62,708,317, plus strand): 5'-AGCGGCTCTCTACCTGGAGTTGGTTCCTCTCAGGGTCACCCTGTGTTGAGCCCTGATTCC[G>A]CAGCTCCTTCTGCTGCTTGAACTTCTGGAAGAGCTTTCTGACTGGGTGGTCCACGGGAAT-3'
Protein context (NP_647479.2, residues 710-730): FQKFKQQKEL[Arg720Trp]NQGSTQGDPE